The following is an entry in ClinVar:

ClinVar aggregate classification (germline): Benign. Review status: criteria provided, multiple submitters, no conflicts (2 of 4 stars). 2 submissions from 2 submitters: Benign (2). Last evaluated 2018-01-13.

Conditions:
Platelet-type bleeding disorder 9 (BDPLT9). Also called: GLYCOPROTEIN Ia DEFICIENCY; GP Ia DEFICIENCY; COLLAGEN PLATELET RECEPTOR DEFICIENCY. Identifiers: Orphanet 73271, Orphanet 98886, MedGen C3280114, MONDO:0013622, OMIM 614200.

Allele frequency attached by ClinVar (database versions not stated): 1000 Genomes Project 0.00140; 1000 Genomes Project 30x 0.00156; ESP Exome Variant Server 0.00269; gnomAD 0.00302 and 0.00321; ExAC 0.00320; TOPMed 0.00346.
gnomAD v4.1: 6,192 of 1,614,136 alleles (0.38%); highest among the groups gnomAD compares: Non-Finnish European, 0.46%; 17 homozygotes.

Submissions (2):

Illumina Laboratory Services, Illumina
Classification: Benign for Platelet-type bleeding disorder 9. Last evaluated: 2018-01-13. Review status: criteria provided, single submitter. Criteria: ICSL Variant Classification Criteria 13 December 2019. Collection method: clinical testing. Allele origin: germline.
Comment: This variant was observed in the ICSL laboratory as part of a predisposition screen in an ostensibly healthy population. It had not been previously curated by ICSL or reported in the Human Gene Mutation Database (HGMD: prior to June 1st, 2018), and was therefore a candidate for classification through an automated scoring system. Utilizing variant allele frequency, disease prevalence and penetrance estimates, and inheritance mode, an automated score was calculated to assess if this variant is too frequent to cause the disease. Based on the score and internal cut-off values, a variant classified as benign is not then subjected to further curation. The score for this variant resulted in a classification of benign for this disease.

Breakthrough Genomics
Classification: Benign. Review status: criteria provided, single submitter. Criteria: ACMG Guidelines, 2015. Collection method: not provided. Allele origin: germline. Inheritance: Unknown mechanism. Affected: yes.

NM_002203.4(ITGA2):c.-13G>A

Genes: ITGA2 (integrin subunit alpha 2; plus strand), ITGA2-AS1 (ITGA2 antisense RNA 1; minus strand). Cytogenetic location: 5q11.2.
Variant type: single nucleotide variant.
Coding change: c.-13G>A on transcript NM_002203.4 (MANE Select); 13 bases upstream of the start codon, G replaced by A.
Molecular consequence: 5 prime UTR variant. On other transcripts: non-coding transcript variant (5).
Genome position (GRCh38, 1-based): chr5:52,989,456, G>A. VCF-style: chr5-52989456-G-A. GRCh37 (hg19) VCF-style: chr5-52285286-G-A.
Identifiers: ClinVar variation 353730 (VCV000353730.6), dbSNP rs143667535, ClinGen allele CA3262448.